The following is an entry in ClinVar:

ClinVar aggregate classification (germline): Uncertain significance. Review status: criteria provided, multiple submitters, no conflicts (2 of 4 stars). 2 submissions from 2 submitters: Uncertain significance (2). Last evaluated 2025-04-12.

Allele frequency attached by ClinVar (database versions not stated): gnomAD exomes below 0.00001.

Submissions (2):

Ambry Genetics
Classification: Uncertain significance. Last evaluated: 2025-04-12. Review status: criteria provided, single submitter. Criteria: Ambry Variant Classification Scheme 2023. Collection method: clinical testing. Allele origin: germline.
Comment: The p.D506E variant (also known as c.1518C>A), located in coding exon 8 of the RNF43 gene, results from a C to A substitution at nucleotide position 1518. The aspartic acid at codon 506 is replaced by glutamic acid, an amino acid with highly similar properties. This amino acid position is conserved. In addition, this alteration is predicted to be tolerated by in silico analysis. Based on the available evidence, the clinical significance of this variant remains unclear.

Institute for Clinical Genetics, University Hospital TU Dresden, University Hospital TU Dresden
Classification: Uncertain significance. Last evaluated: 2021-11-03. Review status: criteria provided, single submitter. Criteria: ACMG Guidelines, 2015. Collection method: clinical testing. Allele origin: germline.

NM_017763.6(RNF43):c.1518C>A (p.Asp506Glu)

Gene: RNF43 (ring finger protein 43; minus strand). Cytogenetic location: 17q22.
Variant type: single nucleotide variant.
Coding change: c.1518C>A on transcript NM_017763.6 (MANE Select); coding-DNA position 1518, C replaced by A.
Protein change: p.Asp506Glu; replaces aspartic acid 506 with glutamic acid.
Molecular consequence: missense variant.
Genome position (GRCh38, 1-based): chr17:58,358,258, G>T on the plus strand (C>A on the coding strand, the complement: RNF43 is on the minus strand). VCF-style: chr17-58358258-G-T. GRCh37 (hg19) VCF-style: chr17-56435619-G-T.
Other names: c.1518C>A, p.Asp506Glu (NM_001305544.3); c.1137C>A, p.Asp379Glu (NM_001305545.2); short protein forms D379E, D506E.
Identifiers: ClinVar variation 1319732 (VCV001319732.4), dbSNP rs1352943460, ClinGen allele CA400329540.